The following is an entry in ClinVar:

NM_001005242.3(PKP2):c.1298T>C (p.Val433Ala)

Gene: PKP2 (plakophilin 2; minus strand). Cytogenetic location: 12p11.21.
Variant type: single nucleotide variant.
Coding change: c.1298T>C on transcript NM_001005242.3 (MANE Select); coding-DNA position 1298, T replaced by C.
Protein change: p.Val433Ala; replaces valine 433 with alanine.
Molecular consequence: missense variant.
Genome position (GRCh38, 1-based): chr12:32,850,846, A>G on the plus strand (T>C on the coding strand, the complement: PKP2 is on the minus strand). VCF-style: chr12-32850846-A-G. GRCh37 (hg19) VCF-style: chr12-33003780-A-G.
Other names: c.1298T>C, p.Val433Ala (NM_001407155.1, NM_001407156.1, NM_001407157.1 and 2 more transcripts); c.971T>C, p.Val324Ala (NM_001407158.1, NM_001407159.1, NM_001407160.1 and 1 more transcripts); short protein forms V324A, V433A.
Identifiers: ClinVar variation 3070397 (VCV003070397.1), dbSNP rs953284543, ClinGen allele CA235255311.

ClinVar aggregate classification (germline): Uncertain significance (1 of 4 stars; one submission).

Conditions:
Arrhythmogenic right ventricular cardiomyopathy (ARVD). Also called: Arrhythmogenic right ventricular dysplasia; Cardiomyopathy, ARVC; Arrhythmogenic cardiomyopathy; Arrhythmogenic Right Ventricular Cardiomyopathy (ARVC). Identifiers: Orphanet 247, MedGen C0349788, MeSH D019571, MONDO:0016587. Disease mechanism: loss of function. Inheritance: Various modes of inheritance.

Allele frequency attached by ClinVar (database versions not stated): gnomAD exomes below 0.00001.
gnomAD v4.1: 2 of 1,613,806 alleles (0.00012%); highest among the groups gnomAD compares: Non-Finnish European, 0.00017%; no homozygotes.

Submission:

All of Us Research Program, National Institutes of Health
Classification: Uncertain significance for Arrhythmogenic right ventricular cardiomyopathy. Last evaluated: 2023-04-10. Review status: criteria provided, single submitter. Criteria: ACMG Guidelines, 2015. Collection method: clinical testing. Allele origin: germline. Inheritance: Autosomal dominant inheritance. Observed: 1 variant allele, 1 heterozygote.
Comment: This missense variant replaces valine with alanine at codon 433 of the PKP2 protein. Computational prediction suggests that this variant may not impact protein structure and function (internally defined REVEL score threshold <= 0.5, PMID: 27666373). To our knowledge, functional studies have not been reported for this variant. This variant has not been reported in individuals affected with PKP2-related disorders in the literature. This variant has been identified in 2/251224 chromosomes in the general population by the Genome Aggregation Database (gnomAD). The available evidence is insufficient to determine the role of this variant in disease conclusively. Therefore, this variant is classified as a Variant of Uncertain Significance.

This study involves interpretation of variants in research participants for the purpose of population health screening. Participant phenotype was not available at the time of variant classification. Additional details can be found in publication PMID: 35346344, PMCID: PMC8962531